The following is an entry in ClinVar:

ClinVar aggregate classification (germline): Uncertain significance (1 of 4 stars; one submission).

Allele frequency attached by ClinVar (database versions not stated): TOPMed 0.00001.

Submission:

Labcorp Genetics (formerly Invitae), Labcorp
Classification: Uncertain significance. Last evaluated: 2022-09-12. Review status: criteria provided, single submitter. Criteria: Invitae Variant Classification Sherloc (09022015). Collection method: clinical testing. Allele origin: germline.
Comment: This sequence change replaces phenylalanine, which is neutral and non-polar, with valine, which is neutral and non-polar, at codon 346 of the TNFAIP3 protein (p.Phe346Val). This variant is not present in population databases (gnomAD no frequency). This variant has not been reported in the literature in individuals affected with TNFAIP3-related conditions. Advanced modeling of protein sequence and biophysical properties (such as structural, functional, and spatial information, amino acid conservation, physicochemical variation, residue mobility, and thermodynamic stability) performed at Invitae indicates that this missense variant is not expected to disrupt TNFAIP3 protein function. In summary, the available evidence is currently insufficient to determine the role of this variant in disease. Therefore, it has been classified as a Variant of Uncertain Significance.

NM_001270508.2(TNFAIP3):c.1036T>G (p.Phe346Val)

Gene: TNFAIP3 (TNF alpha induced protein 3; plus strand). Cytogenetic location: 6q23.3.
Variant type: single nucleotide variant.
Coding change: c.1036T>G on transcript NM_001270508.2 (MANE Select); coding-DNA position 1036, T replaced by G.
Protein change: p.Phe346Val; replaces phenylalanine 346 with valine.
Molecular consequence: missense variant.
Genome position (GRCh38, 1-based): chr6:137,878,481, T>G. VCF-style: chr6-137878481-T-G. GRCh37 (hg19) VCF-style: chr6-138199618-T-G.
Other names: c.1036T>G, p.Phe346Val (NM_001270507.2, NM_006290.4); short protein forms F346V.
Identifiers: ClinVar variation 1904659 (VCV001904659.5), dbSNP rs1776323506, ClinGen allele CA365788220.